The following is an entry in ClinVar:

NM_024702.3(ZNF750):c.627C>T (p.Ala209=)

Genes: TBCD (tubulin folding cofactor D), ZNF750 (zinc finger protein 750; minus strand). Cytogenetic location: 17q25.3.
Variant type: single nucleotide variant.
Coding change: c.627C>T on transcript NM_024702.3 (MANE Select); coding-DNA position 627, C replaced by T.
Protein change: p.Ala209=; no amino-acid change (alanine 209 retained).
Molecular consequence: synonymous variant. On other transcripts: intron variant (3).
Genome position (GRCh38, 1-based): chr17:82,831,828, G>A on the plus strand (C>T on the coding strand, the complement: ZNF750 is on the minus strand). VCF-style: chr17-82831828-G-A. GRCh37 (hg19) VCF-style: chr17-80789704-G-A.
Other names: c.1318+16894G>A (NM_005993.5, NM_001411102.1); c.1267+16894G>A (NM_001411101.1).
Identifiers: ClinVar variation 3388789 (VCV003388789.14).

ClinVar aggregate classification (germline): Likely benign (1 of 4 stars; one submission).

gnomAD v4.1: 471 of 1,614,186 alleles (0.029%); highest among the groups gnomAD compares: South Asian, 0.46%; 4 homozygotes.

Submission:

CeGaT Center for Human Genetics Tuebingen
Classification: Likely benign. Last evaluated: 2024-11-01. Review status: criteria provided, single submitter. Criteria: CeGaT Center For Human Genetics Tuebingen Variant Classification Criteria Version 2. Collection method: clinical testing. Allele origin: germline. Affected: yes. Observed: 1 variant allele.
Comment: ZNF750: BP4, BP7